The following is an entry in ClinVar:

NM_013275.6(ANKRD11):c.1713G>A (p.Thr571=)

Gene: ANKRD11 (ankyrin repeat domain 11; minus strand). Cytogenetic location: 16q24.3.
Variant type: single nucleotide variant.
Coding change: c.1713G>A on transcript NM_013275.6 (MANE Select); coding-DNA position 1713, G replaced by A.
Protein change: p.Thr571=; no amino-acid change (threonine 571 retained).
Molecular consequence: synonymous variant.
Genome position (GRCh38, 1-based): chr16:89,284,829, C>T on the plus strand (G>A on the coding strand, the complement: ANKRD11 is on the minus strand). VCF-style: chr16-89284829-C-T. GRCh37 (hg19) VCF-style: chr16-89351237-C-T.
Other names: c.1713G>A, p.Thr571= (NM_001256182.2, NM_001256183.2).
Identifiers: ClinVar variation 1778605 (VCV001778605.8), dbSNP rs758378781, ClinGen allele CA8242712.
Genomic context (GRCh38, chr16:89,284,829, plus strand): 5'-TGGCTTCAGCGATTCCACACTGGAGCCCTCAGAGGAGTAGTCAGACTCGCTTGTCAGTCT[C>T]GTCCTTGTGGAGTCTGATAAAGAACTGACCTCTGACCAAGCCGGGGAAGAAATGGTTTTC-3'
Protein context (NP_037407.4, residues 561-581): EVSSLSDSTR[Thr571=]RLTSESDYSS

ClinVar aggregate classification (germline): Likely benign. Review status: criteria provided, multiple submitters, no conflicts (2 of 4 stars). 3 submissions from 3 submitters: Likely benign (3). Last evaluated 2026-09-01.

Conditions:
Inborn genetic diseases. Identifiers: MedGen C0950123, MeSH D030342.
KBG syndrome (KBGS). Also called: ANKRD11-Related KBG Syndrome. Identifiers: Orphanet 2332, MedGen C0220687, MONDO:0007846, OMIM 148050.

Allele frequency attached by ClinVar (database versions not stated): ExAC 0.00004; gnomAD 0.00004; gnomAD exomes 0.00004; TOPMed 0.00008.
gnomAD v4.1: 65 of 1,613,946 alleles (0.004%); highest among the groups gnomAD compares: Middle Eastern, 0.085%; no homozygotes.

Submissions (3):

CeGaT Center for Human Genetics Tuebingen
Classification: Likely benign. Last evaluated: 2026-09-01. Review status: criteria provided, single submitter. Criteria: CeGaT Center For Human Genetics Tuebingen Variant Classification Criteria Version 2. Collection method: clinical testing. Allele origin: germline. Affected: yes. Observed: 1 variant allele.
Comment: ANKRD11: BP4, BP7

Labcorp Genetics (formerly Invitae), Labcorp
Classification: Likely benign for KBG syndrome. Last evaluated: 2024-12-07. Review status: criteria provided, single submitter. Criteria: Invitae Variant Classification Sherloc (09022015). Collection method: clinical testing. Allele origin: germline.

Ambry Genetics
Classification: Likely benign for Inborn genetic diseases. Last evaluated: 2020-08-31. Review status: criteria provided, single submitter. Criteria: Ambry Variant Classification Scheme 2023. Collection method: clinical testing. Allele origin: germline.